The following is an entry in ClinVar:

ClinVar aggregate classification (germline): Uncertain significance (1 of 4 stars; one submission).

Conditions:
DOCK2 deficiency. Also called: Immunodeficiency 40. Identifiers: Orphanet 447737, MedGen C4225328, MONDO:0014637, OMIM 616433.

Allele frequency attached by ClinVar (database versions not stated): ExAC 0.00004; gnomAD exomes 0.00004; TOPMed 0.00007; ESP Exome Variant Server 0.00008; gnomAD 0.00011 and 0.00012.
gnomAD v4.1: 130 of 1,614,046 alleles (0.0081%); highest among the groups gnomAD compares: African/African-American, 0.013%; no homozygotes.

Submission:

Labcorp Genetics (formerly Invitae), Labcorp
Classification: Uncertain significance for DOCK2 deficiency. Last evaluated: 2022-11-20. Review status: criteria provided, single submitter. Criteria: Invitae Variant Classification Sherloc (09022015). Collection method: clinical testing. Allele origin: germline.
Comment: This sequence change replaces asparagine, which is neutral and polar, with serine, which is neutral and polar, at codon 1384 of the DOCK2 protein (p.Asn1384Ser). In summary, the available evidence is currently insufficient to determine the role of this variant in disease. Therefore, it has been classified as a Variant of Uncertain Significance. Algorithms developed to predict the effect of missense changes on protein structure and function (SIFT, PolyPhen-2, Align-GVGD) all suggest that this variant is likely to be tolerated. ClinVar contains an entry for this variant (Variation ID: 567785). This variant has not been reported in the literature in individuals affected with DOCK2-related conditions. This variant is present in population databases (rs375716929, gnomAD 0.01%).

NM_004946.3(DOCK2):c.4151A>G (p.Asn1384Ser)

Gene: DOCK2 (dedicator of cytokinesis 2; plus strand). Cytogenetic location: 5q35.1.
Variant type: single nucleotide variant.
Coding change: c.4151A>G on transcript NM_004946.3 (MANE Select); coding-DNA position 4151, A replaced by G.
Protein change: p.Asn1384Ser; replaces asparagine 1384 with serine.
Molecular consequence: missense variant. On other transcripts: non-coding transcript variant (1).
Genome position (GRCh38, 1-based): chr5:170,050,335, A>G. VCF-style: chr5-170050335-A-G. GRCh37 (hg19) VCF-style: chr5-169477339-A-G.
Other names: c.4151A>G, p.Asn1384Ser (LRG_1227t1); short protein forms N1384S.
Identifiers: ClinVar variation 567785 (VCV000567785.4), dbSNP rs375716929, ClinGen allele CA3554444.